The following is an entry in ClinVar:

NM_000059.4(BRCA2):c.9649-1G>C

Gene: BRCA2 (BRCA2 DNA repair associated; plus strand). Cytogenetic location: 13q13.1.
Variant type: single nucleotide variant.
Coding change: c.9649-1G>C on transcript NM_000059.4 (MANE Select); the canonical splice acceptor site of the intron before coding-DNA position 9649, G replaced by C.
Molecular consequence: splice acceptor variant.
Genome position (GRCh38, 1-based): chr13:32,398,161, G>C. VCF-style: chr13-32398161-G-C. GRCh37 (hg19) VCF-style: chr13-32972298-G-C.
Other names: c.9598-1G>C (NM_001406720.1); c.9553-1G>C (NM_001406719.1); c.4717-1G>C (NM_001406721.1); c.3232-1G>C (NM_001406722.1).
Identifiers: ClinVar variation 483129 (VCV000483129.7), dbSNP rs1555289898, ClinGen allele CA387765050.

ClinVar aggregate classification (germline): Pathogenic/Likely pathogenic. Review status: criteria provided, multiple submitters, no conflicts (2 of 4 stars). 2 submissions from 2 submitters: Pathogenic (1); Likely pathogenic (1). Last evaluated 2024-05-15.

Conditions:
Hereditary breast ovarian cancer syndrome. Also called: Hereditary breast and ovarian cancer syndrome; Hereditary breast and ovarian cancer; Hereditary breast and ovarian cancer syndrome (HBOC); Breast and ovarian cancer; Hereditary breast and/or ovarian cancer syndrome; BRCA1- and BRCA2-Associated Hereditary Breast and Ovarian Cancer. Identifiers: Orphanet 145, MedGen C0677776, MeSH D061325, MONDO:0003582. Disease mechanism: loss of function.
Hereditary cancer-predisposing syndrome. Also called: Neoplastic Syndromes, Hereditary; Tumor predisposition; Hereditary Cancer Syndrome; Hereditary neoplastic syndrome. Identifiers: Orphanet 140162, MedGen C0027672, MeSH D009386, MONDO:0015356.

Allele frequency attached by ClinVar (database versions not stated): gnomAD 0.00001.
gnomAD v4.1: 2 of 1,605,526 alleles (0.00012%); highest among the groups gnomAD compares: South Asian, 0.0022%; no homozygotes.

Submissions (2):

Labcorp Genetics (formerly Invitae), Labcorp
Classification: Pathogenic for Hereditary breast ovarian cancer syndrome. Last evaluated: 2024-05-15. Review status: criteria provided, single submitter. Criteria: Invitae Variant Classification Sherloc (09022015). Collection method: clinical testing. Allele origin: germline.
Comment: This sequence change affects an acceptor splice site in intron 26 of the BRCA2 gene. RNA analysis indicates that disruption of this splice site induces altered splicing and likely disrupts the C-terminus of the protein. This variant is not present in population databases (gnomAD no frequency). Disruption of this splice site has been observed in individual(s) with BRCA2-related conditions (PMID: 29483665). ClinVar contains an entry for this variant (Variation ID: 483129). Variants that disrupt the consensus splice site are a relatively common cause of aberrant splicing (PMID: 17576681, 9536098). Studies have shown that disruption of this splice site results in altered splicing and introduces a new termination codon (PMID: 25382762). However the mRNA is not expected to undergo nonsense-mediated decay. This variant disrupts a region of the BRCA2 protein in which other variant(s) (p.Tyr3308*) have been determined to be pathogenic (PMID: 17026620, 18593900, 18607349, 22711857). This suggests that this is a clinically significant region of the protein, and that variants that disrupt it are likely to be disease-causing. For these reasons, this variant has been classified as Pathogenic.

Ambry Genetics
Classification: Likely pathogenic for Hereditary cancer-predisposing syndrome. Last evaluated: 2017-08-16. Review status: criteria provided, single submitter. Criteria: Ambry Variant Classification Scheme 2023. Collection method: clinical testing. Allele origin: germline.
Comment: The c.9649-1G>C intronic variant results from a G to C substitution one nucleotide upstream from coding exon 26 of the BRCA2 gene. This nucleotide position is highly conserved in available vertebrate species. Using the BDGP and ESEfinder splice site prediction tools, this alteration is predicted to abolish the native splice acceptor site; however, direct evidence is unavailable. Alterations that disrupt the canonical splice site are expected to cause aberrant splicing, resulting in an abnormal protein or a transcript that is subject to nonsense-mediated mRNA decay. As such, this alteration is classified as likely pathogenic.

Literature cited by the submitters: PubMed 29483665 (cited by Labcorp Genetics (formerly Invitae), Labcorp); PubMed 17576681 (cited by Labcorp Genetics (formerly Invitae), Labcorp); PubMed 9536098 (cited by Labcorp Genetics (formerly Invitae), Labcorp); PubMed 25382762 (cited by Labcorp Genetics (formerly Invitae), Labcorp); PubMed 17026620 (cited by Labcorp Genetics (formerly Invitae), Labcorp); PubMed 18593900 (cited by Labcorp Genetics (formerly Invitae), Labcorp); PubMed 18607349 (cited by Labcorp Genetics (formerly Invitae), Labcorp); PubMed 22711857 (cited by Labcorp Genetics (formerly Invitae), Labcorp).